The following is an entry in ClinVar:

ClinVar aggregate classification (germline): Pathogenic. Review status: criteria provided, multiple submitters, no conflicts (2 of 4 stars). 6 submissions from 6 submitters: Pathogenic (5). 1 of the submissions does not count toward it. Last evaluated 2024-02-17.

Conditions:
Rare genetic deafness. Identifiers: Orphanet 96210, MedGen C5680250.
Retinitis pigmentosa 39 (RP39). Identifiers: Orphanet 791, MedGen C3151138, MONDO:0013436, OMIM 613809.
Usher syndrome type 2A. Also called: RETINAL DISEASE IN USHER SYNDROME TYPE IIA, MODIFIER OF; USHER SYNDROME, TYPE IIA. Identifiers: Orphanet 231178, Orphanet 886, MedGen C1848634, MONDO:0010169, OMIM 276901.

Allele frequency attached by ClinVar (database versions not stated): gnomAD exomes below 0.00001.
gnomAD v4.1: 1 of 1,614,050 alleles (0.000062%); no homozygotes.

Submissions (6):

Fulgent Genetics
Classification: Pathogenic for Usher syndrome type 2A; Retinitis pigmentosa 39. Last evaluated: 2024-02-17. Review status: criteria provided, single submitter. Criteria: ACMG Guidelines, 2015. Collection method: clinical testing. Allele origin: germline.

Genome-Nilou Lab
Classification: Pathogenic for Retinitis pigmentosa 39. Last evaluated: 2023-11-04. Review status: criteria provided, single submitter. Criteria: ACMG Guidelines, 2015. Collection method: clinical testing. Allele origin: germline. Affected: no.

Baylor Genetics
Classification: Pathogenic for Retinitis pigmentosa 39. Last evaluated: 2023-03-30. Review status: criteria provided, single submitter. Criteria: ACMG Guidelines, 2015. Collection method: clinical testing. Allele origin: unknown.

Labcorp Genetics (formerly Invitae), Labcorp
Classification: Pathogenic. Last evaluated: 2022-08-31. Review status: criteria provided, single submitter. Criteria: Invitae Variant Classification Sherloc (09022015). Collection method: clinical testing. Allele origin: germline.
Comment: This sequence change creates a premature translational stop signal (p.Gln4750*) in the USH2A gene. It is expected to result in an absent or disrupted protein product. Loss-of-function variants in USH2A are known to be pathogenic (PMID: 10729113, 10909849, 20507924, 25649381). This variant is not present in population databases (gnomAD no frequency). For these reasons, this variant has been classified as Pathogenic. ClinVar contains an entry for this variant (Variation ID: 179439). This premature translational stop signal has been observed in individual(s) with Usher syndrome (PMID: 27460420, 30073356).

Laboratory for Molecular Medicine, Mass General Brigham Personalized Medicine
Classification: Pathogenic for Rare genetic deafness. Last evaluated: 2013-12-12. Review status: criteria provided, single submitter. Criteria: LMM Criteria. Collection method: clinical testing. Allele origin: germline. Inheritance: Autosomal recessive inheritance. Observed: 1 variant allele.
Comment: The Gln4750X variant in USH2A has not been previously reported in individuals wi th hearing loss or in large population studies. This nonsense variant leads to a premature termination codon at position 4750, which is predicted to lead to a t runcated or absent protein. In summary, this variant meets our criteria to be cl assified as pathogenic.

Natera, Inc.
Classification: Pathogenic for Usher syndrome type 2A. Last evaluated: 2020-09-01. Review status: no assertion criteria provided. Collection method: clinical testing. Allele origin: germline. Not counted in ClinVar's aggregate classification.

Literature cited by the submitters: PubMed 10729113 (cited by Labcorp Genetics (formerly Invitae), Labcorp); PubMed 10909849 (cited by Labcorp Genetics (formerly Invitae), Labcorp); PubMed 20507924 (cited by Labcorp Genetics (formerly Invitae), Labcorp); PubMed 25649381 (cited by Labcorp Genetics (formerly Invitae), Labcorp); PubMed 27460420 (cited by Labcorp Genetics (formerly Invitae), Labcorp); PubMed 30073356 (cited by Labcorp Genetics (formerly Invitae), Labcorp).

NM_206933.4(USH2A):c.14248C>T (p.Gln4750Ter)

Gene: USH2A (usherin; minus strand). Cytogenetic location: 1q41.
Variant type: single nucleotide variant.
Coding change: c.14248C>T on transcript NM_206933.4 (MANE Select); coding-DNA position 14248, C replaced by T.
Protein change: p.Gln4750Ter; replaces glutamine 4750 with a stop codon.
Molecular consequence: nonsense.
Genome position (GRCh38, 1-based): chr1:215,650,687, G>A on the plus strand (C>T on the coding strand, the complement: USH2A is on the minus strand). VCF-style: chr1-215650687-G-A. GRCh37 (hg19) VCF-style: chr1-215824029-G-A.
Other names: short protein forms Q4750*.
Identifiers: ClinVar variation 179439 (VCV000179439.13), dbSNP rs727504867, ClinGen allele CA273630.
Genomic context (GRCh38, chr1:215,650,687, plus strand): 5'-GCCTGTAGAGACTGACGATCCCGTTGGGCTTCCCAGGGGCACTGATGTTGACCACTGCTT[G>A]GGTAGAAGAGATCACATGGAACGTGGGGGCTCTGAGACCTTCTGGTGGGGCTGGCCCGGT-3'